The following is an entry in ClinVar:

NM_000059.4(BRCA2):c.190A>C (p.Thr64Pro)

Gene: BRCA2 (BRCA2 DNA repair associated; plus strand). Cytogenetic location: 13q13.1.
Variant type: single nucleotide variant.
Coding change: c.190A>C on transcript NM_000059.4 (MANE Select); coding-DNA position 190, A replaced by C.
Protein change: p.Thr64Pro; replaces threonine 64 with proline.
Molecular consequence: missense variant.
Genome position (GRCh38, 1-based): chr13:32,319,199, A>C. VCF-style: chr13-32319199-A-C. GRCh37 (hg19) VCF-style: chr13-32893336-A-C.
Other names: short protein forms T64P.
Identifiers: ClinVar variation 1395152 (VCV001395152.6), dbSNP rs1555280376, ClinGen allele CA387754365.

ClinVar aggregate classification (germline): Uncertain significance (1 of 4 stars; one submission).

Conditions:
Hereditary breast ovarian cancer syndrome. Also called: BRCA1- and BRCA2-Associated Hereditary Breast and Ovarian Cancer; Hereditary breast and ovarian cancer syndrome (HBOC); Hereditary breast and ovarian cancer syndrome; Hereditary breast and ovarian cancer; Breast and ovarian cancer; Hereditary breast and/or ovarian cancer syndrome. Identifiers: Orphanet 145, MedGen C0677776, MeSH D061325, MONDO:0003582. Disease mechanism: loss of function.

Submission:

Labcorp Genetics (formerly Invitae), Labcorp
Classification: Uncertain significance for Hereditary breast ovarian cancer syndrome. Last evaluated: 2021-11-29. Review status: criteria provided, single submitter. Criteria: Invitae Variant Classification Sherloc (09022015). Collection method: clinical testing. Allele origin: germline.
Comment: Advanced modeling of protein sequence and biophysical properties (such as structural, functional, and spatial information, amino acid conservation, physicochemical variation, residue mobility, and thermodynamic stability) performed at Invitae indicates that this missense variant is not expected to disrupt BRCA2 protein function. In summary, the available evidence is currently insufficient to determine the role of this variant in disease. Therefore, it has been classified as a Variant of Uncertain Significance. This variant has not been reported in the literature in individuals affected with BRCA2-related conditions. This variant is not present in population databases (gnomAD no frequency). This sequence change replaces threonine, which is neutral and polar, with proline, which is neutral and non-polar, at codon 64 of the BRCA2 protein (p.Thr64Pro).